The following is an entry in ClinVar:

ClinVar aggregate classification (germline): Pathogenic. Review status: criteria provided, multiple submitters, no conflicts (2 of 4 stars). 4 submissions from 4 submitters: Pathogenic (4). Last evaluated 2026-05-01.

Conditions:
Hereditary cancer-predisposing syndrome. Also called: Tumor predisposition; Hereditary neoplastic syndrome; Neoplastic Syndromes, Hereditary; Hereditary Cancer Syndrome. Identifiers: Orphanet 140162, MedGen C0027672, MeSH D009386, MONDO:0015356.
Hereditary breast ovarian cancer syndrome. Also called: BRCA1- and BRCA2-Associated Hereditary Breast and Ovarian Cancer; Hereditary breast and/or ovarian cancer syndrome; Hereditary breast and ovarian cancer; Hereditary breast and ovarian cancer syndrome (HBOC); Breast and ovarian cancer; Hereditary breast and ovarian cancer syndrome. Identifiers: Orphanet 145, MedGen C0677776, MeSH D061325, MONDO:0003582. Disease mechanism: loss of function.

Submissions (4):

Ambry Genetics
Classification: Pathogenic for Hereditary cancer-predisposing syndrome. Last evaluated: 2026-05-01. Review status: criteria provided, single submitter. Criteria: Ambry Variant Classification Scheme 2023. Collection method: clinical testing. Allele origin: germline.
Comment: The c.2644delC pathogenic mutation, located in coding exon 10 of the BRCA2 gene, results from a deletion of one nucleotide at nucleotide position 2644, causing a translational frameshift with a predicted alternate stop codon (p.L882Ffs*13). This variant is considered to be rare based on population cohorts in the Genome Aggregation Database (gnomAD). This alteration is expected to result in loss of function by premature protein truncation or nonsense-mediated mRNA decay. As such, this alteration is interpreted as a disease-causing mutation.

Quest Diagnostics Nichols Institute San Juan Capistrano
Classification: Pathogenic. Last evaluated: 2025-10-10. Review status: criteria provided, single submitter. Criteria: Quest Diagnostics criteria. Collection method: clinical testing. Allele origin: unknown.
Comment: The BRCA2 c.2644del (p.Leu882Phefs*13) variant alters the translational reading frame of the BRCA2 mRNA and causes the premature termination of BRCA2 protein synthesis. This variant has been reported in the published literature in an individual with pancreatic cancer (PMID: 33429865 (2021)). This variant has not been reported in large, multi-ethnic general populations (Genome Aggregation Database). Based on the available information, this variant is classified as pathogenic.

Labcorp Genetics (formerly Invitae), Labcorp
Classification: Pathogenic for Hereditary breast ovarian cancer syndrome. Last evaluated: 2025-08-03. Review status: criteria provided, single submitter. Criteria: Invitae Variant Classification Sherloc (09022015). Collection method: clinical testing. Allele origin: germline.
Comment: This sequence change creates a premature translational stop signal (p.Leu882Phefs*13) in the BRCA2 gene. It is expected to result in an absent or disrupted protein product. Loss-of-function variants in BRCA2 are known to be pathogenic (PMID: 20104584). This variant is not present in population databases (gnomAD no frequency). This variant has not been reported in the literature in individuals affected with BRCA2-related conditions. ClinVar contains an entry for this variant (Variation ID: 495097). For these reasons, this variant has been classified as Pathogenic.

GeneKor MSA
Classification: Pathogenic for Hereditary breast and ovarian cancer syndrome. Last evaluated: 2020-01-01. Review status: criteria provided, single submitter. Criteria: ACMG Guidelines, 2015. Collection method: clinical testing. Allele origin: germline. Affected: yes.
Comment: This sequence change deletes one base from exon 11 of the BRCA2 mRNA (c.2644delC ) causing a frameshift after codon 882 and the creation of a premature translation stop signal 13 amino acid residues later p.(Leu882Phefs). This is expected to result in an absent or disrupted protein product. Truncating variants in BRCA2 are known to be pathogenic.

Literature cited by the submitters: PubMed 33429865 (cited by Quest Diagnostics Nichols Institute San Juan Capistrano); PubMed 20104584 (cited by Labcorp Genetics (formerly Invitae), Labcorp).

NM_000059.4(BRCA2):c.2644del (p.Leu882fs)

Gene: BRCA2 (BRCA2 DNA repair associated; plus strand). Cytogenetic location: 13q13.1.
Variant type: Deletion.
Coding change: c.2644del on transcript NM_000059.4 (MANE Select); coding-DNA position 2644, one base deleted (C; older notation c.2644delC).
Protein change: p.Leu882fs; shifts the reading frame from leucine 882.
Molecular consequence: frameshift variant.
Genome position (GRCh38, 1-based): chr13:32,336,999, C deleted. VCF-style (leftmost placement, unchanged base first): chr13-32336998-AC-A. GRCh37 (hg19) VCF-style: chr13-32911135-AC-A.
Other names: c.2644delC (NM_000059.3); c.2644del (NM_000059.3); short protein forms L882fs.
Identifiers: ClinVar variation 495097 (VCV000495097.11), dbSNP rs1555282764, ClinGen allele CA658683839.